The following is an entry in ClinVar:

ClinVar aggregate classification (germline): Pathogenic (1 of 4 stars; one submission).

Submission:

Labcorp Genetics (formerly Invitae), Labcorp
Classification: Pathogenic. Last evaluated: 2022-09-10. Review status: criteria provided, single submitter. Criteria: Invitae Variant Classification Sherloc (09022015). Collection method: clinical testing. Allele origin: germline.
Comment: This sequence change creates a premature translational stop signal (p.Tyr467Thrfs*17) in the ERCC2 gene. It is expected to result in an absent or disrupted protein product. Loss-of-function variants in ERCC2 are known to be pathogenic (PMID: 9238033, 11335038, 19085937, 19934020). This variant is not present in population databases (gnomAD no frequency). This variant has not been reported in the literature in individuals affected with ERCC2-related conditions. For these reasons, this variant has been classified as Pathogenic.

Literature cited by the submitters: PubMed 9238033; PubMed 11335038; PubMed 19085937; PubMed 19934020.

NM_000400.4(ERCC2):c.1398del (p.Tyr467fs)

Gene: ERCC2 (ERCC excision repair 2, TFIIH core complex helicase subunit; minus strand). Cytogenetic location: 19q13.32.
Variant type: Deletion.
Coding change: c.1398del on transcript NM_000400.4 (MANE Select); coding-DNA position 1398, one base deleted (C; older notation c.1398delC).
Protein change: p.Tyr467fs; shifts the reading frame from tyrosine 467.
Molecular consequence: frameshift variant.
Genome position (GRCh38, 1-based): chr19:45,357,351, G deleted on the plus strand (C on the coding strand, the reverse complement: ERCC2 is on the minus strand). VCF-style (leftmost placement, unchanged base first): chr19-45357350-AG-A. GRCh37 (hg19) VCF-style: chr19-45860608-AG-A.
Other names: short protein forms Y467fs.
Identifiers: ClinVar variation 2029830 (VCV002029830.4), dbSNP rs2514012590, ClinGen allele CA2580097393.